The following is an entry in ClinVar:

NM_003776.4(MRPL40):c.428A>T (p.Gln143Leu)

Gene: MRPL40 (mitochondrial ribosomal protein L40; plus strand). Cytogenetic location: 22q11.21.
Variant type: single nucleotide variant.
Coding change: c.428A>T on transcript NM_003776.4 (MANE Select); coding-DNA position 428, A replaced by T.
Protein change: p.Gln143Leu; replaces glutamine 143 with leucine.
Molecular consequence: missense variant.
Genome position (GRCh38, 1-based): chr22:19,435,769, A>T. VCF-style: chr22-19435769-A-T. GRCh37 (hg19) VCF-style: chr22-19423292-A-T.
Other names: c.296A>T, p.Gln99Leu (NM_001318151.2); short protein forms Q99L, Q143L.
Identifiers: ClinVar variation 2193931 (VCV002193931.4), dbSNP rs374166038, ClinGen allele CA10100222.
Genomic context (GRCh38, chr22:19,435,769, plus strand): 5'-TGTACAAGCAGCAAGAGCGTAAGATGGAGAGGGACACCATCAGGGCTATGCTAGAAGCCC[A>T]GCAGGAAGCTCTGGAGGAACTGCAACTGGAATCCCCGAAGCTCCATGCTGAGGCCATCAA-3'
Protein context (NP_003767.2, residues 133-153): RDTIRAMLEA[Gln143Leu]QEALEELQLE

ClinVar aggregate classification (germline): Uncertain significance (1 of 4 stars; one submission).

Allele frequency attached by ClinVar (database versions not stated): ExAC 0.00005; gnomAD 0.00005; TOPMed 0.00006; ESP Exome Variant Server 0.00008.
gnomAD v4.1: 65 of 1,614,104 alleles (0.004%); highest among the groups gnomAD compares: Middle Eastern, 0.13%; no homozygotes.

Submission:

Labcorp Genetics (formerly Invitae), Labcorp
Classification: Uncertain significance. Last evaluated: 2022-06-20. Review status: criteria provided, single submitter. Criteria: Invitae Variant Classification Sherloc (09022015). Collection method: clinical testing. Allele origin: germline.
Comment: This sequence change replaces glutamine, which is neutral and polar, with leucine, which is neutral and non-polar, at codon 143 of the MRPL40 protein (p.Gln143Leu). This variant is present in population databases (rs374166038, gnomAD 0.006%). This variant has not been reported in the literature in individuals affected with MRPL40-related conditions. Algorithms developed to predict the effect of missense changes on protein structure and function are either unavailable or do not agree on the potential impact of this missense change (SIFT: "Not Available"; PolyPhen-2: "Probably Damaging"; Align-GVGD: "Not Available"). In summary, the available evidence is currently insufficient to determine the role of this variant in disease. Therefore, it has been classified as a Variant of Uncertain Significance.